The following is an entry in ClinVar:

ClinVar aggregate classification (germline): Uncertain significance (1 of 4 stars; one submission).

Submission:

GeneDx
Classification: Uncertain significance. Last evaluated: 2025-05-14. Review status: criteria provided, single submitter. Criteria: GeneDx Variant Classification Process June 2021. Collection method: clinical testing. Allele origin: germline.
Comment: In-frame deletion of 3 amino acid(s) in a non-repeat region; Not observed at significant frequency in large population cohorts (gnomAD); Has not been previously published as pathogenic or benign to our knowledge; In silico analysis supports a deleterious effect on protein structure/function

NM_001005271.3(CHD3):c.243_251del (p.Leu83_Pro85del)

Genes: CHD3 (chromodomain helicase DNA binding protein 3; plus strand), NAA38 (N-alpha-acetyltransferase 38, NatC auxiliary subunit; minus strand). Cytogenetic location: 17p13.1.
Variant type: Deletion.
Coding change: c.243_251del on transcript NM_001005271.3; coding-DNA positions 243 to 251, 9 bases deleted (ACCGCTGCC; older notation c.243_251delACCGCTGCC).
Protein change: p.Leu83_Pro85del.
Molecular consequence: inframe deletion. On other transcripts: intron variant (1).
Genome position (GRCh38, 1-based): chr17:7,885,049-7,885,057, ACCGCTGCC deleted; deleting any 9 consecutive bases within chr17:7,885,046-7,885,057 gives the same sequence; the c. name uses the placement nearest the transcript's 3' end. VCF-style (leftmost placement, unchanged base first): chr17-7885045-CGCCACCGCT-C. GRCh37 (hg19) VCF-style: chr17-7788363-CGCCACCGCT-C.
Other names: c.243_251del, p.Leu83_Pro85del (NM_001437504.1, NM_001437507.1, NM_001437508.1 and 1 more transcripts); c.-167+111_-167+119del (NM_001330111.2).
Identifiers: ClinVar variation 2576817 (VCV002576817.2), dbSNP rs2544596070, ClinGen allele CA2580613996.